The following is an entry in ClinVar:

NM_019842.4(KCNQ5):c.616+1023G>T

Gene: KCNQ5 (potassium voltage-gated channel subfamily Q member 5; plus strand). Cytogenetic location: 6q13.
Variant type: single nucleotide variant.
Coding change: c.616+1023G>T on transcript NM_019842.4 (MANE Select); 1023 bases into the intron after coding-DNA position 616, G replaced by T.
Molecular consequence: intron variant.
Genome position (GRCh38, 1-based): chr6:73,043,085, G>T. VCF-style: chr6-73043085-G-T. GRCh37 (hg19) VCF-style: chr6-73752808-G-T.
Other names: c.616+1023G>T (NM_001160133.2, NM_001160134.2, NM_001160132.2 and 1 more transcripts).
Identifiers: ClinVar variation 2656696 (VCV002656696.24), dbSNP rs117168907, ClinGen allele CA3886800.

ClinVar aggregate classification (germline): Benign (1 of 4 stars; one submission).

Allele frequency attached by ClinVar (database versions not stated): 1000 Genomes Project 30x 0.00234; 1000 Genomes Project 0.00220.
gnomAD v4.1: 1,954 of 396,246 alleles (0.49%); highest among the groups gnomAD compares: Non-Finnish European, 0.63%; 9 homozygotes.

Submission:

CeGaT Center for Human Genetics Tuebingen
Classification: Benign. Last evaluated: 2023-07-01. Review status: criteria provided, single submitter. Criteria: CeGaT Center For Human Genetics Tuebingen Variant Classification Criteria Version 2. Collection method: clinical testing. Allele origin: germline. Affected: yes. Observed: 7 variant alleles.
Comment: KCNQ5: BS1, BS2